The following is an entry in ClinVar:

ClinVar aggregate classification (germline): Conflicting classifications of pathogenicity. Review status: criteria provided, conflicting classifications (1 of 4 stars). 6 submissions from 6 submitters: Uncertain significance (1); Likely benign (3). 2 of the submissions do not count toward it. Last evaluated 2025-12-01.

Conditions:
Inborn genetic diseases. Identifiers: MedGen C0950123, MeSH D030342.

Allele frequency attached by ClinVar (database versions not stated): 1000 Genomes Project 0.00020; gnomAD 0.00233 and 0.00236; gnomAD exomes 0.00247 and 0.00382; ESP Exome Variant Server 0.00249; ExAC 0.00266.
gnomAD v4.1: 5,536 of 1,536,620 alleles (0.36%); highest among the groups gnomAD compares: Non-Finnish European, 0.44%; 14 homozygotes.

Submissions (6):

CeGaT Center for Human Genetics Tuebingen
Classification: Likely benign. Last evaluated: 2025-12-01. Review status: criteria provided, single submitter. Criteria: CeGaT Center For Human Genetics Tuebingen Variant Classification Criteria Version 2. Collection method: clinical testing. Allele origin: germline. Affected: yes. Observed: 4 variant alleles.
Comment: DSPP: PP2, BP4, BS2

Blueprint Genetics
Classification: Likely benign. Last evaluated: 2024-11-25. Review status: criteria provided, single submitter. Criteria: ACMG Guidelines, 2015. Collection method: clinical testing. Allele origin: germline.

Ambry Genetics
Classification: Uncertain significance for Inborn genetic diseases. Last evaluated: 2021-08-02. Review status: criteria provided, single submitter. Criteria: Ambry Variant Classification Scheme 2023. Collection method: clinical testing. Allele origin: germline.

Breakthrough Genomics
Classification: Likely benign. Review status: criteria provided, single submitter. Criteria: ACMG Guidelines, 2015. Collection method: not provided. Allele origin: germline. Inheritance: Autosomal dominant inheritance. Affected: yes.

Clinical Genetics DNA and cytogenetics Diagnostics Lab, Erasmus MC, Erasmus Medical Center
Classification: Likely benign. Review status: no assertion criteria provided. Collection method: clinical testing. Allele origin: germline. Affected: yes. Study: VKGL Data-share Consensus. Not counted in ClinVar's aggregate classification.

Laboratory of Diagnostic Genome Analysis, Leiden University Medical Center (LUMC)
Classification: Likely benign. Review status: no assertion criteria provided. Collection method: clinical testing. Allele origin: germline. Affected: yes. Study: VKGL Data-share Consensus. Not counted in ClinVar's aggregate classification.

NM_014208.3(DSPP):c.3010A>G (p.Ser1004Gly)

Genes: DMP1-AS1 (DMP1 and DSPP antisense RNA 1; minus strand), DSPP (dentin sialophosphoprotein; plus strand). Cytogenetic location: 4q22.1.
Variant type: single nucleotide variant.
Coding change: c.3010A>G on transcript NM_014208.3 (MANE Select); coding-DNA position 3010, A replaced by G.
Protein change: p.Ser1004Gly; replaces serine 1004 with glycine.
Molecular consequence: missense variant.
Genome position (GRCh38, 1-based): chr4:87,615,672, A>G. VCF-style: chr4-87615672-A-G. GRCh37 (hg19) VCF-style: chr4-88536824-A-G.
Other names: short protein forms S1004G.
Identifiers: ClinVar variation 1206137 (VCV001206137.30), dbSNP rs201170664, ClinGen allele CA3001364.